The following is an entry in ClinVar:

NM_172364.5(CACNA2D4):c.649+14_649+15delinsCT

Gene: CACNA2D4 (calcium voltage-gated channel auxiliary subunit alpha2delta 4; minus strand). Cytogenetic location: 12p13.33.
Variant type: Indel.
Coding change: c.649+14_649+15delinsCT on transcript NM_172364.5 (MANE Select); bases 14 to 15 of the intron after coding-DNA position 649, TC replaced by CT.
Molecular consequence: intron variant.
Genome position (GRCh38, 1-based): chr12:1,907,860-1,907,861, GA replaced by AG on the plus strand (TC replaced by CT on the coding strand, the reverse complement: CACNA2D4 is on the minus strand). VCF-style: chr12-1907860-GA-AG. GRCh37 (hg19) VCF-style: chr12-2017026-GA-AG.
Identifiers: ClinVar variation 4729192 (VCV004729192.1).
Genomic context (GRCh38, chr12:1,907,860, plus strand): 5'-CCTGGTGGGCGTGTCTGGTGGGTGTGCTAGGTGGGCGTGCCTGGTGAGTGTGCCTGAGCT[GA>AG]GCGTGCCGGCTACCTTTGTTGTACACGTTGGTGGGCAGCTGCACGCTGCTGATGGAGGTG-3'

ClinVar aggregate classification (germline): Uncertain significance (1 of 4 stars; one submission).

Submission:

Labcorp Genetics (formerly Invitae), Labcorp
Classification: Uncertain significance. Last evaluated: 2025-10-14. Review status: criteria provided, single submitter. Criteria: Invitae Variant Classification Sherloc (09022015). Collection method: clinical testing. Allele origin: germline.
Comment: This sequence change falls in intron 5 of the CACNA2D4 gene. It does not directly change the encoded amino acid sequence of the CACNA2D4 protein. Information on the frequency of this variant in the gnomAD database is not available, as this variant may be reported differently in the database. This variant has not been reported in the literature in individuals affected with CACNA2D4-related conditions. Experimental studies and prediction algorithms are not available or were not evaluated, and the effect of this variant on mRNA splicing is currently unknown. In summary, the available evidence is currently insufficient to determine the role of this variant in disease. Therefore, it has been classified as a Variant of Uncertain Significance.